The following is an entry in ClinVar:

ClinVar aggregate classification (germline): Likely benign (1 of 4 stars; one submission).

Conditions:
TMEM107-related disorder. Also called: TMEM107-related condition.

Submission:

PreventionGenetics, part of Exact Sciences
Classification: Likely benign for TMEM107-related condition. Last evaluated: 2024-12-20. Review status: criteria provided, single submitter. Criteria: ACMG Guidelines, 2015. Collection method: clinical testing. Allele origin: germline.
Comment: This variant is classified as likely benign based on ACMG/AMP sequence variant interpretation guidelines (Richards et al. 2015 PMID: 25741868, with internal and published modifications).

NM_183065.4(TMEM107):c.297C>T (p.Phe99=)

Genes: TMEM107 (transmembrane protein 107; minus strand), LOC105371520 (uncharacterized LOC105371520; plus strand). Cytogenetic location: 17p13.1.
Variant type: single nucleotide variant.
Coding change: c.297C>T on transcript NM_183065.4 (MANE Select); coding-DNA position 297, C replaced by T.
Protein change: p.Phe99=; no amino-acid change (phenylalanine 99 retained).
Molecular consequence: synonymous variant. On other transcripts: intron variant (1).
Genome position (GRCh38, 1-based): chr17:8,174,576, G>A on the plus strand (C>T on the coding strand, the complement: TMEM107 is on the minus strand). VCF-style: chr17-8174576-G-A. GRCh37 (hg19) VCF-style: chr17-8077894-G-A.
Other names: c.315C>T, p.Phe105= (NM_001351278.2, NM_032354.5); c.297C>T, p.Phe99= (NM_001351279.2); c.156-304C>T (NM_001351280.2).
Identifiers: ClinVar variation 4984086 (VCV004984086.1).
Genomic context (GRCh38, chr17:8,174,576, plus strand): 5'-ACACCTGCAGAAGACAAAAATGTACCAATACGTAGTGCACTCCCAACGCTCGAATATGAA[G>A]AAGGACAGGGCCACGGATGCACTACAGTGAGCCCCAATGGCTTGGGAAGGCACGAGATTA-3'
Protein context (NP_898888.1, residues 89-109): AHCSASVALS[Phe99=]FIFERWECTT